The following is an entry in ClinVar:

NM_080680.3(COL11A2):c.1611+2T>C

Gene: COL11A2 (collagen type XI alpha 2 chain; minus strand). Cytogenetic location: 6p21.32.
Variant type: single nucleotide variant.
Coding change: c.1611+2T>C on transcript NM_080680.3 (MANE Select); the canonical splice donor site of the intron after coding-DNA position 1611, T replaced by C.
Molecular consequence: splice donor variant.
Genome position (GRCh38, 1-based): chr6:33,179,071, A>G on the plus strand (T>C on the coding strand, the complement: COL11A2 is on the minus strand). VCF-style: chr6-33179071-A-G. GRCh37 (hg19) VCF-style: chr6-33146848-A-G.
Other names: c.585+2T>C (NM_001424111.1, NM_001424110.1); c.1290+2T>C (NM_080679.3); c.1353+2T>C (NM_080681.3); c.1431+2T>C (NM_001424108.1); c.765+2T>C (NM_001424109.1).
Identifiers: ClinVar variation 4527794 (VCV004527794.1).
Genomic context (GRCh38, chr6:33,179,071, plus strand): 5'-GCAGTCCCCTACCCTGCAGGCCCTGTCTCCCCACAACACCCATCCACCCCTGGGGCACTC[A>G]CCCTTCGCCCAGCCTTGCCAGGAGGGCCTGTGAGGCCCTGAGGTCCTCTGGGGCCCTGGT-3'

ClinVar aggregate classification (germline): Likely pathogenic (1 of 4 stars; one submission).

Submission:

GeneDx
Classification: Likely pathogenic. Last evaluated: 2025-05-05. Review status: criteria provided, single submitter. Criteria: GeneDx Variant Classification Process June 2021. Collection method: clinical testing. Allele origin: germline. Affected: yes.
Comment: Canonical splice site variant predicted to result in an in-frame loss of the adjacent exon in a gene for which loss of function is a known mechanism of disease; Not observed at significant frequency in large population cohorts (gnomAD); Has not been previously published as pathogenic or benign to our knowledge